The following is an entry in ClinVar:

NM_206927.4(SYTL2):c.6006C>T (p.Asn2002=)

Gene: SYTL2 (synaptotagmin like 2; minus strand). Cytogenetic location: 11q14.1.
Variant type: single nucleotide variant.
Coding change: c.6006C>T on transcript NM_206927.4 (MANE Select); coding-DNA position 6006, C replaced by T.
Protein change: p.Asn2002=; no amino-acid change (asparagine 2002 retained).
Molecular consequence: synonymous variant. On other transcripts: intron variant (1).
Genome position (GRCh38, 1-based): chr11:85,707,441, G>A on the plus strand (C>T on the coding strand, the complement: SYTL2 is on the minus strand). VCF-style: chr11-85707441-G-A. GRCh37 (hg19) VCF-style: chr11-85418484-G-A.
Other names: c.2091C>T, p.Asn697= (NM_001162951.4, NM_001394457.1, NM_001394458.1 and 1 more transcripts); c.297C>T, p.Asn99= (NM_001162952.3, NM_001289610.2); c.2094C>T, p.Asn698= (NM_001162953.4); c.2142C>T, p.Asn714= (NM_001394454.1, NM_001394453.1); c.2139C>T, p.Asn713= (NM_001394455.1, NM_001394456.1, NM_001394465.1); c.2061C>T, p.Asn687= (NM_001394460.1); c.2058C>T, p.Asn686= (NM_001394461.1); c.2013C>T, p.Asn671= (NM_001394462.1, NM_001394471.1, NM_001394472.1); and 22 more.
Identifiers: ClinVar variation 2642240 (VCV002642240.24), dbSNP rs112099986, ClinGen allele CA6213588.

ClinVar aggregate classification (germline): Likely benign (1 of 4 stars; one submission).

Allele frequency attached by ClinVar (database versions not stated): ExAC 0.00073; 1000 Genomes Project 0.00100; 1000 Genomes Project 30x 0.00109; gnomAD 0.00127; TOPMed 0.00143; ESP Exome Variant Server 0.00154.
gnomAD v4.1: 1,001 of 1,612,848 alleles (0.062%); highest among the groups gnomAD compares: African/African-American, 0.51%; 9 homozygotes.

Submission:

CeGaT Center for Human Genetics Tuebingen
Classification: Likely benign. Last evaluated: 2022-11-01. Review status: criteria provided, single submitter. Criteria: CeGaT Center For Human Genetics Tuebingen Variant Classification Criteria Version 2. Collection method: clinical testing. Allele origin: germline. Affected: yes. Observed: 1 variant allele.
Comment: SYTL2: BP4, BP7